The following is an entry in ClinVar:

ClinVar aggregate classification (germline): Uncertain significance (1 of 4 stars; one submission).

Allele frequency attached by ClinVar (database versions not stated): TOPMed below 0.00001; gnomAD exomes 0.00001.
gnomAD v4.1: 4 of 1,614,082 alleles (0.00025%); highest among the groups gnomAD compares: Non-Finnish European, 0.00034%; no homozygotes.

Submission:

Ambry Genetics
Classification: Uncertain significance. Last evaluated: 2024-09-10. Review status: criteria provided, single submitter. Criteria: Ambry Variant Classification Scheme 2023. Collection method: clinical testing. Allele origin: germline.
Comment: The p.T138I variant (also known as c.413C>T), located in coding exon 2 of the GALNT12 gene, results from a C to T substitution at nucleotide position 413. The threonine at codon 138 is replaced by isoleucine, an amino acid with similar properties. This amino acid position is highly conserved in available vertebrate species. In addition, this alteration is predicted to be deleterious by in silico analysis. Since supporting evidence is limited at this time, the clinical significance of this alteration remains unclear.

NM_024642.5(GALNT12):c.413C>T (p.Thr138Ile)

Gene: GALNT12 (polypeptide N-acetylgalactosaminyltransferase 12; plus strand). Cytogenetic location: 9q22.33.
Variant type: single nucleotide variant.
Coding change: c.413C>T on transcript NM_024642.5 (MANE Select); coding-DNA position 413, C replaced by T.
Protein change: p.Thr138Ile; replaces threonine 138 with isoleucine.
Molecular consequence: missense variant.
Genome position (GRCh38, 1-based): chr9:98,823,297, C>T. VCF-style: chr9-98823297-C-T. GRCh37 (hg19) VCF-style: chr9-101585579-C-T.
Other names: short protein forms T138I.
Identifiers: ClinVar variation 824619 (VCV000824619.5), dbSNP rs1177006590, ClinGen allele CA374216606.